The following is an entry in ClinVar:

ClinVar aggregate classification (germline): Uncertain significance. Review status: criteria provided, multiple submitters, no conflicts (2 of 4 stars). 5 submissions from 5 submitters: Uncertain significance (5). Last evaluated 2024-11-08.

Conditions:
Combined immunodeficiency due to DOCK8 deficiency (HIES2). Also called: HIES autosomal recessive; Hyper-IgE recurrent infection syndrome, autosomal recessive; DOCK8 Deficiency; HYPER-IgE RECURRENT INFECTION SYNDROME 2, AUTOSOMAL RECESSIVE; HYPER-IgE SYNDROME 2, AUTOSOMAL RECESSIVE, WITH RECURRENT INFECTIONS. Identifiers: Orphanet 217390, MedGen C4722305, MONDO:0009478, OMIM 243700.
Inborn genetic diseases. Identifiers: MedGen C0950123, MeSH D030342.
Hyper-IgE recurrent infection syndrome 3, autosomal recessive. Also called: Autosomal recessive hyper-IgE syndrome due to ZNF341 deficiency; HYPER-IgE SYNDROME 3, AUTOSOMAL RECESSIVE, WITH RECURRENT INFECTIONS. Identifiers: Orphanet 641368, MedGen C4748969, MONDO:0032654, OMIM 618282.

Allele frequency attached by ClinVar (database versions not stated): TOPMed 0.00007; ExAC 0.00008; ESP Exome Variant Server 0.00008; gnomAD 0.00008 and 0.00009; gnomAD exomes 0.00009 and 0.00010.
gnomAD v4.1: 147 of 1,614,068 alleles (0.0091%); highest among the groups gnomAD compares: Middle Eastern, 0.033%; no homozygotes.

Submissions (5):

Blueprint Genetics
Classification: Uncertain significance. Last evaluated: 2024-11-08. Review status: criteria provided, single submitter. Criteria: ACMG Guidelines, 2015. Collection method: clinical testing. Allele origin: germline.

GeneDx
Classification: Uncertain significance. Last evaluated: 2024-06-04. Review status: criteria provided, single submitter. Criteria: GeneDx Variant Classification Process June 2021. Collection method: clinical testing. Allele origin: germline. Affected: yes.
Comment: In silico analysis indicates that this missense variant does not alter protein structure/function; Has not been previously published as pathogenic or benign to our knowledge; This variant is associated with the following publications: (PMID: 27350570, 19898472)

Labcorp Genetics (formerly Invitae), Labcorp
Classification: Uncertain significance for Combined immunodeficiency due to DOCK8 deficiency. Last evaluated: 2023-10-03. Review status: criteria provided, single submitter. Criteria: Invitae Variant Classification Sherloc (09022015). Collection method: clinical testing. Allele origin: germline.
Comment: This sequence change replaces isoleucine, which is neutral and non-polar, with leucine, which is neutral and non-polar, at codon 1756 of the DOCK8 protein (p.Ile1756Leu). This variant is present in population databases (rs373154957, gnomAD 0.02%). This variant has not been reported in the literature in individuals affected with DOCK8-related conditions. ClinVar contains an entry for this variant (Variation ID: 367024). Advanced modeling of protein sequence and biophysical properties (such as structural, functional, and spatial information, amino acid conservation, physicochemical variation, residue mobility, and thermodynamic stability) performed at Invitae indicates that this missense variant is not expected to disrupt DOCK8 protein function. In summary, the available evidence is currently insufficient to determine the role of this variant in disease. Therefore, it has been classified as a Variant of Uncertain Significance.

Ambry Genetics
Classification: Uncertain significance for Inborn genetic diseases. Last evaluated: 2023-04-07. Review status: criteria provided, single submitter. Criteria: Ambry Variant Classification Scheme 2023. Collection method: clinical testing. Allele origin: germline.

Illumina Laboratory Services, Illumina
Classification: Uncertain significance for Combined immunodeficiency due to DOCK8 deficiency. Last evaluated: 2018-01-13. Review status: criteria provided, single submitter. Criteria: ICSL Variant Classification Criteria 13 December 2019. Collection method: clinical testing. Allele origin: germline.

NM_203447.4(DOCK8):c.5266A>C (p.Ile1756Leu)

Gene: DOCK8 (dedicator of cytokinesis 8; plus strand). Cytogenetic location: 9p24.3.
Variant type: single nucleotide variant.
Coding change: c.5266A>C on transcript NM_203447.4 (MANE Select); coding-DNA position 5266, A replaced by C.
Protein change: p.Ile1756Leu; replaces isoleucine 1756 with leucine.
Molecular consequence: missense variant.
Genome position (GRCh38, 1-based): chr9:441,328, A>C. VCF-style: chr9-441328-A-C. GRCh37 (hg19) VCF-style: chr9-441328-A-C.
Other names: c.4966A>C, p.Ile1656Leu (NM_001190458.2); c.5062A>C, p.Ile1688Leu (NM_001193536.2); short protein forms I1756L, I1656L, I1688L.
Identifiers: ClinVar variation 367024 (VCV000367024.14), dbSNP rs373154957, ClinGen allele CA4959378.